The following is an entry in ClinVar:

NM_032119.4(ADGRV1):c.5186A>T (p.His1729Leu)

Gene: ADGRV1 (adhesion G protein-coupled receptor V1; plus strand). Cytogenetic location: 5q14.3.
Variant type: single nucleotide variant.
Coding change: c.5186A>T on transcript NM_032119.4 (MANE Select); coding-DNA position 5186, A replaced by T.
Protein change: p.His1729Leu; replaces histidine 1729 with leucine.
Molecular consequence: missense variant. On other transcripts: non-coding transcript variant (1).
Genome position (GRCh38, 1-based): chr5:90,675,318, A>T. VCF-style: chr5-90675318-A-T. GRCh37 (hg19) VCF-style: chr5-89971135-A-T.
Other names: short protein forms H1729L.
Identifiers: ClinVar variation 1968776 (VCV001968776.2), dbSNP rs375786151, ClinGen allele CA360409848.

ClinVar aggregate classification (germline): Uncertain significance (1 of 4 stars; one submission).

gnomAD v4.1: 6 of 1,613,894 alleles (0.00037%); highest among the groups gnomAD compares: Admixed American, 0.0033%; no homozygotes.

Submission:

Labcorp Genetics (formerly Invitae), Labcorp
Classification: Uncertain significance. Last evaluated: 2022-03-29. Review status: criteria provided, single submitter. Criteria: Invitae Variant Classification Sherloc (09022015). Collection method: clinical testing. Allele origin: germline.
Comment: This sequence change replaces histidine, which is basic and polar, with leucine, which is neutral and non-polar, at codon 1729 of the ADGRV1 protein (p.His1729Leu). This variant is present in population databases (no rsID available, gnomAD 0.003%). This variant has not been reported in the literature in individuals affected with ADGRV1-related conditions. Algorithms developed to predict the effect of missense changes on protein structure and function (SIFT, PolyPhen-2, Align-GVGD) all suggest that this variant is likely to be tolerated. In summary, the available evidence is currently insufficient to determine the role of this variant in disease. Therefore, it has been classified as a Variant of Uncertain Significance.